The following is an entry in ClinVar:

NM_001378120.1(MBD5):c.2252A>G (p.Asn751Ser)

Gene: MBD5 (methyl-CpG binding domain protein 5; plus strand). Cytogenetic location: 2q23.1.
Variant type: single nucleotide variant.
Coding change: c.2252A>G on transcript NM_001378120.1 (MANE Select); coding-DNA position 2252, A replaced by G.
Protein change: p.Asn751Ser; replaces asparagine 751 with serine.
Molecular consequence: missense variant.
Genome position (GRCh38, 1-based): chr2:148,470,195, A>G. VCF-style: chr2-148470195-A-G. GRCh37 (hg19) VCF-style: chr2-149227764-A-G.
Other names: c.2252A>G, p.Asn751Ser (NM_018328.5); short protein forms N751S.
Identifiers: ClinVar variation 2892299 (VCV002892299.4), dbSNP rs1259416237, ClinGen allele CA348721453.

ClinVar aggregate classification (germline): Uncertain significance. Review status: criteria provided, multiple submitters, no conflicts (2 of 4 stars). 2 submissions from 2 submitters: Uncertain significance (2). Last evaluated 2026-01-06.

Conditions:
Intellectual developmental disorder, autosomal dominant 1. Also called: MBD5 Haploinsufficiency; Intellectual disability, autosomal dominant 1. Identifiers: Orphanet 228402, MedGen C1969562, MONDO:0007974, OMIM 156200.

Allele frequency attached by ClinVar (database versions not stated): TOPMed below 0.00001; gnomAD exomes 0.00001.
gnomAD v4.1: 17 of 1,613,988 alleles (0.0011%); highest among the groups gnomAD compares: Non-Finnish European, 0.0014%; no homozygotes.

Submissions (2):

Women's Health and Genetics/Laboratory Corporation of America, LabCorp
Classification: Uncertain significance. Last evaluated: 2026-01-06. Review status: criteria provided, single submitter. Criteria: LabCorp Variant Classification Summary - May 2015. Collection method: clinical testing. Allele origin: germline.
Comment: Variant summary: MBD5 c.2252A>G (p.Asn751Ser) results in a conservative amino acid change in the encoded protein sequence. Algorithms developed to predict the effect of missense changes on protein structure and function all suggest that this variant is likely to be tolerated. The variant allele was found at a frequency of 4e-06 in 250742 control chromosomes. The available data on variant occurrences in the general population are insufficient to allow any conclusion about variant significance. To our knowledge, no occurrence of c.2252A>G in individuals affected with MBD5-related conditions and no experimental evidence demonstrating its impact on protein function have been reported. ClinVar contains an entry for this variant (Variation ID: 2892299). Based on the evidence outlined above, the variant was classified as uncertain significance.

Labcorp Genetics (formerly Invitae), Labcorp
Classification: Uncertain significance for Intellectual developmental disorder, autosomal dominant 1. Last evaluated: 2024-05-18. Review status: criteria provided, single submitter. Criteria: Invitae Variant Classification Sherloc (09022015). Collection method: clinical testing. Allele origin: germline.
Comment: This sequence change replaces asparagine, which is neutral and polar, with serine, which is neutral and polar, at codon 751 of the MBD5 protein (p.Asn751Ser). This variant is present in population databases (no rsID available, gnomAD 0.0009%). This variant has not been reported in the literature in individuals affected with MBD5-related conditions. Advanced modeling of protein sequence and biophysical properties (such as structural, functional, and spatial information, amino acid conservation, physicochemical variation, residue mobility, and thermodynamic stability) performed at Invitae indicates that this missense variant is not expected to disrupt MBD5 protein function with a negative predictive value of 80%. In summary, the available evidence is currently insufficient to determine the role of this variant in disease. Therefore, it has been classified as a Variant of Uncertain Significance.